The following is an entry in ClinVar:

ClinVar aggregate classification (germline): Likely benign. Review status: criteria provided, multiple submitters, no conflicts (2 of 4 stars). 2 submissions from 2 submitters: Likely benign (2). Last evaluated 2024-02-22.

Conditions:
Episodic kinesigenic dyskinesia (EKD). Also called: Paroxysmal kinesigenic dyskinesia. Identifiers: Orphanet 98809, MedGen C1868682, MONDO:0044202.

Submissions (2):

Labcorp Genetics (formerly Invitae), Labcorp
Classification: Likely benign for Episodic kinesigenic dyskinesia. Last evaluated: 2024-02-22. Review status: criteria provided, single submitter. Criteria: Invitae Variant Classification Sherloc (09022015). Collection method: clinical testing. Allele origin: germline.

CeGaT Center for Human Genetics Tuebingen
Classification: Likely benign. Last evaluated: 2022-11-01. Review status: criteria provided, single submitter. Criteria: CeGaT Center For Human Genetics Tuebingen Variant Classification Criteria Version 2. Collection method: clinical testing. Allele origin: germline. Affected: yes. Observed: 1 variant allele.
Comment: PRRT2: PM2:Supporting, BP4, BP7

NM_145239.3(PRRT2):c.594T>C (p.Pro198=)

Genes: MVP-DT (MVP divergent transcript; minus strand), PRRT2 (proline rich transmembrane protein 2; plus strand). Cytogenetic location: 16p11.2.
Variant type: single nucleotide variant.
Coding change: c.594T>C on transcript NM_145239.3 (MANE Select); coding-DNA position 594, T replaced by C.
Protein change: p.Pro198=; no amino-acid change (proline 198 retained).
Molecular consequence: synonymous variant.
Genome position (GRCh38, 1-based): chr16:29,813,648, T>C. VCF-style: chr16-29813648-T-C. GRCh37 (hg19) VCF-style: chr16-29824969-T-C.
Other names: c.594T>C, p.Pro198= (NM_001256442.2, NM_001256443.2).
Identifiers: ClinVar variation 2646371 (VCV002646371.26), dbSNP rs377133866, ClinGen allele CA280409855.
Genomic context (GRCh38, chr16:29,813,648, plus strand): 5'-GCAAGAGAATGGGGCAGTGGTGCCCCTGCAGGCTGGTGATGGGGAAGAGGGCCCAGCCCC[T>C]GAGCCTCACTCACCACCCTCAAAAAAATCCCCCCCAGCCAATGGGGCCCCCCCCCGAGTG-3'
Protein context (NP_660282.2, residues 188-208): QAGDGEEGPA[Pro198=]EPHSPPSKKS